The following is an entry in ClinVar:

NM_153603.4(COG7):c.443C>G (p.Ala148Gly)

Gene: COG7 (component of oligomeric golgi complex 7; minus strand). Cytogenetic location: 16p12.2.
Variant type: single nucleotide variant.
Coding change: c.443C>G on transcript NM_153603.4 (MANE Select); coding-DNA position 443, C replaced by G.
Protein change: p.Ala148Gly; replaces alanine 148 with glycine.
Molecular consequence: missense variant.
Genome position (GRCh38, 1-based): chr16:23,442,638, G>C on the plus strand (C>G on the coding strand, the complement: COG7 is on the minus strand). VCF-style: chr16-23442638-G-C. GRCh37 (hg19) VCF-style: chr16-23453959-G-C.
Other names: short protein forms A148G.
Identifiers: ClinVar variation 1942142 (VCV001942142.5), dbSNP rs376425866, ClinGen allele CA7961289.

ClinVar aggregate classification (germline): Uncertain significance (1 of 4 stars; one submission).

Conditions:
COG7 congenital disorder of glycosylation (CDG2E). Also called: CDG IIe; CONGENITAL DISORDER OF GLYCOSYLATION, TYPE IIe. Identifiers: Orphanet 79333, MedGen C2931010, MONDO:0012118, OMIM 608779.

Allele frequency attached by ClinVar (database versions not stated): ESP Exome Variant Server 0.00008.
gnomAD v4.1: 1 of 1,613,178 alleles (0.000062%); highest among the groups gnomAD compares: Non-Finnish European, 0.000085%; no homozygotes.

Submission:

Labcorp Genetics (formerly Invitae), Labcorp
Classification: Uncertain significance for COG7 congenital disorder of glycosylation. Last evaluated: 2022-08-22. Review status: criteria provided, single submitter. Criteria: Invitae Variant Classification Sherloc (09022015). Collection method: clinical testing. Allele origin: germline.
Comment: In summary, the available evidence is currently insufficient to determine the role of this variant in disease. Therefore, it has been classified as a Variant of Uncertain Significance. Algorithms developed to predict the effect of missense changes on protein structure and function output the following: SIFT: "Tolerated"; PolyPhen-2: "Benign"; Align-GVGD: "Class C0". The glycine amino acid residue is found in multiple mammalian species, which suggests that this missense change does not adversely affect protein function. This variant has not been reported in the literature in individuals affected with COG7-related conditions. This variant is present in population databases (rs376425866, gnomAD 0.007%). This sequence change replaces alanine, which is neutral and non-polar, with glycine, which is neutral and non-polar, at codon 148 of the COG7 protein (p.Ala148Gly).